The following is an entry in ClinVar:

ClinVar aggregate classification (germline): Likely pathogenic (1 of 4 stars; one submission).

Conditions:
Alport syndrome. Also called: Hemorrhagic familial nephritis; Hemorrhagic hereditary nephritis; Congenital hereditary hematuria. Identifiers: Orphanet 63, MedGen C1567741, MONDO:0018965.

gnomAD v4.1: 1 of 1,614,160 alleles (0.000062%); highest among the groups gnomAD compares: South Asian, 0.0011%; no homozygotes.

Submission:

Natera, Inc.
Classification: Likely pathogenic for Alport syndrome. Last evaluated: 2025-01-07. Review status: criteria provided, single submitter. Criteria: Natera Variant Classification Schema (03/2026). Collection method: clinical testing. Allele origin: germline.
Comment: The c.3160G>C variant in COL4A4 is a missense variant predicted to cause substitution of glycine to arginine at amino acid 1054. This variant is rare in the general population with a frequency below the threshold expected for the associated phenotype(s). This variant has been observed in one or more individuals affected with the associated recessive disease, as either homozygous or compound heterozygous with a second variant (PMID: 35369551). This variant is located in a functionally critical region of the protein. Computational prediction algorithms indicate this variant is likely to affect gene or protein function. Given the available evidence, this variant is classified as Likely Pathogenic.

Literature cited by the submitters: PubMed 35369551.

NM_000092.5(COL4A4):c.3160G>C (p.Gly1054Arg)

Gene: COL4A4 (collagen type IV alpha 4 chain; minus strand). Cytogenetic location: 2q36.3.
Variant type: single nucleotide variant.
Coding change: c.3160G>C on transcript NM_000092.5 (MANE Select); coding-DNA position 3160, G replaced by C.
Protein change: p.Gly1054Arg; replaces glycine 1054 with arginine.
Molecular consequence: missense variant.
Genome position (GRCh38, 1-based): chr2:227,050,122, C>G on the plus strand (G>C on the coding strand, the complement: COL4A4 is on the minus strand). VCF-style: chr2-227050122-C-G. GRCh37 (hg19) VCF-style: chr2-227914838-C-G.
Other names: short protein forms G1054R.
Identifiers: ClinVar variation 4065075 (VCV004065075.2).